The following is an entry in ClinVar:

NM_001440.4(EXTL3):c.451C>T (p.Pro151Ser)

Gene: EXTL3 (exostosin like glycosyltransferase 3; plus strand). Cytogenetic location: 8p21.1.
Variant type: single nucleotide variant.
Coding change: c.451C>T on transcript NM_001440.4 (MANE Select); coding-DNA position 451, C replaced by T.
Protein change: p.Pro151Ser; replaces proline 151 with serine.
Molecular consequence: missense variant.
Genome position (GRCh38, 1-based): chr8:28,716,510, C>T. VCF-style: chr8-28716510-C-T. GRCh37 (hg19) VCF-style: chr8-28574027-C-T.
Other names: short protein forms P151S.
Identifiers: ClinVar variation 1960512 (VCV001960512.6), dbSNP rs1801150930, ClinGen allele CA370856350.

ClinVar aggregate classification (germline): Uncertain significance. Review status: criteria provided, multiple submitters, no conflicts (2 of 4 stars). 2 submissions from 2 submitters: Uncertain significance (2). Last evaluated 2023-08-19.

Allele frequency attached by ClinVar (database versions not stated): TOPMed below 0.00001.

Submissions (2):

Labcorp Genetics (formerly Invitae), Labcorp
Classification: Uncertain significance. Last evaluated: 2023-08-19. Review status: criteria provided, single submitter. Criteria: Invitae Variant Classification Sherloc (09022015). Collection method: clinical testing. Allele origin: germline.
Comment: In summary, the available evidence is currently insufficient to determine the role of this variant in disease. Therefore, it has been classified as a Variant of Uncertain Significance. Advanced modeling of protein sequence and biophysical properties (such as structural, functional, and spatial information, amino acid conservation, physicochemical variation, residue mobility, and thermodynamic stability) performed at Invitae indicates that this missense variant is not expected to disrupt EXTL3 protein function. ClinVar contains an entry for this variant (Variation ID: 1960512). This variant has not been reported in the literature in individuals affected with EXTL3-related conditions. This variant is not present in population databases (gnomAD no frequency). This sequence change replaces proline, which is neutral and non-polar, with serine, which is neutral and polar, at codon 151 of the EXTL3 protein (p.Pro151Ser).

Blueprint Genetics
Classification: Uncertain significance. Last evaluated: 2020-08-17. Review status: criteria provided, single submitter. Criteria: ACMG Guidelines, 2015. Collection method: clinical testing. Allele origin: germline.